The following is an entry in ClinVar:

ClinVar aggregate classification (germline): Benign/Likely benign. Review status: criteria provided, multiple submitters, no conflicts (2 of 4 stars). 6 submissions from 6 submitters: Benign (4); Likely benign (2). Last evaluated 2026-01-28.

Conditions:
Xanthinuria type II. Also called: Xanthine dehydrogenase and aldehyde oxidase combined deficiency of; XDH and AOX dual deficiency. Identifiers: Orphanet 3467, Orphanet 93602, MedGen C1863688, MONDO:0011346, OMIM 603592.
Hereditary xanthinuria type 1 (XAN1). Identifiers: Orphanet 3467, Orphanet 93601, MedGen C0268118, MONDO:0010209, OMIM 278300.

Allele frequency attached by ClinVar (database versions not stated): gnomAD exomes 0.00522; ExAC 0.00623; gnomAD 0.01931 and 0.02057; 1000 Genomes Project 0.02097; ESP Exome Variant Server 0.02191; TOPMed 0.02268; 1000 Genomes Project 30x 0.02342.
gnomAD v4.1: 6,276 of 1,613,820 alleles (0.39%); highest among the groups gnomAD compares: African/African-American, 6.9%; 194 homozygotes.

Submissions (7):

Labcorp Genetics (formerly Invitae), Labcorp
Classification: Benign for Xanthinuria type II. Last evaluated: 2026-01-28. Review status: criteria provided, single submitter. Criteria: Invitae Variant Classification Sherloc (09022015). Collection method: clinical testing. Allele origin: germline.

Mayo Clinic Laboratories, Mayo Clinic
Classification: Benign. Last evaluated: 2022-10-30. Review status: criteria provided, single submitter. Criteria: ACMG Guidelines, 2015. Collection method: clinical testing. Allele origin: germline. Observed: 4 variant alleles.

Genome-Nilou Lab
Classification: Benign for Hereditary xanthinuria type 1. Last evaluated: 2021-12-05. Review status: criteria provided, single submitter. Criteria: ACMG Guidelines, 2015. Collection method: clinical testing. Allele origin: germline. Affected: no.

GeneDx
Classification: Benign. Last evaluated: 2021-05-06. Review status: criteria provided, single submitter. Criteria: GeneDx Variant Classification Process June 2021. Collection method: clinical testing. Allele origin: germline. Affected: yes.

Illumina Laboratory Services, Illumina
Classification: Likely benign for Hereditary xanthinuria type 1. Last evaluated: 2017-04-27. Review status: criteria provided, single submitter. Criteria: ICSL Variant Classification Criteria 13 December 2019. Collection method: clinical testing. Allele origin: germline.
Comment: This variant was observed as part of a predisposition screen in an ostensibly healthy population. A literature search was performed for the gene, cDNA change, and amino acid change (where applicable). No publications were found based on this search. Allele frequency data from public databases allowed determination this variant is unlikely to cause disease. Therefore, this variant is classified as likely benign.

Breakthrough Genomics
Classification: Likely benign. Review status: criteria provided, single submitter. Criteria: ACMG Guidelines, 2015. Collection method: not provided. Allele origin: germline. Inheritance: Autosomal recessive inheritance. Affected: yes.

Dr. Peter K. Rogan Lab, Western University
No classification provided (evidence only). Condition: Thyroid cancer, nonmedullary, 1. Review status: no classification provided. Collection method: in vitro. Allele origin: not applicable. Functional consequence: retained intron. Not counted in ClinVar's aggregate classification.

NM_000379.4(XDH):c.1134C>T (p.Gly378=)

Gene: XDH (xanthine dehydrogenase; minus strand). Cytogenetic location: 2p23.1.
Variant type: single nucleotide variant.
Coding change: c.1134C>T on transcript NM_000379.4 (MANE Select); coding-DNA position 1134, C replaced by T.
Protein change: p.Gly378=; no amino-acid change (glycine 378 retained).
Molecular consequence: synonymous variant.
Genome position (GRCh38, 1-based): chr2:31,379,975, G>A on the plus strand (C>T on the coding strand, the complement: XDH is on the minus strand). VCF-style: chr2-31379975-G-A. GRCh37 (hg19) VCF-style: chr2-31602841-G-A.
Other names: p.Gly378=.
Identifiers: ClinVar variation 335792 (VCV000335792.20), dbSNP rs45612738, ClinGen allele CA1599325.